The following is an entry in ClinVar:

ClinVar aggregate classification (germline): Likely benign. Review status: criteria provided, multiple submitters, no conflicts (2 of 4 stars). 8 submissions from 8 submitters: Likely benign (8). Last evaluated 2026-01-11.

Conditions:
Rienhoff syndrome. Also called: LOEYS-DIETZ SYNDROME 5. Identifiers: MedGen C3810012, MONDO:0014262, OMIM 615582.
Familial thoracic aortic aneurysm and aortic dissection (TAAD). Also called: Thoracic aortic aneurysms and dissections. Identifiers: Orphanet 91387, MedGen C4707243, MONDO:0019625.
TGFB3-related disorder. Also called: TGFB3-related condition.
Arrhythmogenic right ventricular dysplasia 1. Identifiers: Orphanet 3403, MedGen C1862511, MONDO:0007152, OMIM 107970.

Allele frequency attached by ClinVar (database versions not stated): ExAC 0.00002; gnomAD 0.00003; gnomAD exomes 0.00004; TOPMed 0.00004; ESP Exome Variant Server 0.00015.
gnomAD v4.1: 61 of 1,614,006 alleles (0.0038%); highest among the groups gnomAD compares: Non-Finnish European, 0.0047%; no homozygotes.

Submissions (8):

Labcorp Genetics (formerly Invitae), Labcorp
Classification: Likely benign for Rienhoff syndrome. Last evaluated: 2026-01-11. Review status: criteria provided, single submitter. Criteria: Invitae Variant Classification Sherloc (09022015). Collection method: clinical testing. Allele origin: germline.

PreventionGenetics, part of Exact Sciences
Classification: Likely benign for TGFB3-related condition. Last evaluated: 2025-07-11. Review status: criteria provided, single submitter. Criteria: ACMG Guidelines, 2015. Collection method: clinical testing. Allele origin: germline.
Comment: This variant is classified as likely benign based on ACMG/AMP sequence variant interpretation guidelines (Richards et al. 2015 PMID: 25741868, with internal and published modifications).

Mayo Clinic Laboratories, Mayo Clinic
Classification: Likely benign. Last evaluated: 2024-12-18. Review status: criteria provided, single submitter. Criteria: ACMG Guidelines, 2015. Collection method: clinical testing. Allele origin: germline. Observed: 1 variant allele.
Comment: BP4, BP7

Women's Health and Genetics/Laboratory Corporation of America, LabCorp
Classification: Likely benign. Last evaluated: 2024-03-11. Review status: criteria provided, single submitter. Criteria: LabCorp Variant Classification Summary - May 2015. Collection method: clinical testing. Allele origin: germline.

CeGaT Center for Human Genetics Tuebingen
Classification: Likely benign. Last evaluated: 2022-08-01. Review status: criteria provided, single submitter. Criteria: CeGaT Center For Human Genetics Tuebingen Variant Classification Criteria Version 2. Collection method: clinical testing. Allele origin: germline. Affected: yes. Observed: 1 variant allele.
Comment: TGFB3: BP4, BP7

Fulgent Genetics
Classification: Likely benign for Arrhythmogenic right ventricular dysplasia 1; Rienhoff syndrome. Last evaluated: 2022-01-28. Review status: criteria provided, single submitter. Criteria: ACMG Guidelines, 2015. Collection method: clinical testing. Allele origin: unknown.

CHEO Genetics Diagnostic Laboratory, Children's Hospital of Eastern Ontario
Classification: Likely benign for Familial thoracic aortic aneurysm and aortic dissection. Last evaluated: 2021-11-15. Review status: criteria provided, single submitter. Criteria: ACMG Guidelines, 2015. Collection method: clinical testing. Allele origin: germline.

Ambry Genetics
Classification: Likely benign for Familial thoracic aortic aneurysm and aortic dissection. Last evaluated: 2018-10-21. Review status: criteria provided, single submitter. Criteria: Ambry Variant Classification Scheme 2023. Collection method: clinical testing. Allele origin: germline.

NM_003239.5(TGFB3):c.591C>T (p.Ala197=)

Gene: TGFB3 (transforming growth factor beta 3; minus strand). Cytogenetic location: 14q24.3.
Variant type: single nucleotide variant.
Coding change: c.591C>T on transcript NM_003239.5 (MANE Select); coding-DNA position 591, C replaced by T.
Protein change: p.Ala197=; no amino-acid change (alanine 197 retained).
Molecular consequence: synonymous variant.
Genome position (GRCh38, 1-based): chr14:75,971,181, G>A on the plus strand (C>T on the coding strand, the complement: TGFB3 is on the minus strand). VCF-style: chr14-75971181-G-A. GRCh37 (hg19) VCF-style: chr14-76437524-G-A.
Other names: p.Ala197=; c.591C>T (NM_003239.4); c.591C>T, p.Ala197= (NM_001329938.2, NM_001329939.2).
Identifiers: ClinVar variation 698403 (VCV000698403.42), dbSNP rs375090568, ClinGen allele CA7280397.
Genomic context (GRCh38, chr14:75,971,181, plus strand): 5'-CCTACCTCTTCTCAACAGCCACTCACGCACAGTGTCAGTGACATCAAAGGACAGCCACTC[G>A]GCAGTGCCCCGTGTGGGCAGATTCTTGCCACCGATATAGCGCTGTTTGGCAATGTGCTCA-3'
Protein context (NP_003230.1, residues 187-207): GGKNLPTRGT[Ala197=]EWLSFDVTDT